The following is an entry in ClinVar:

NM_001330360.2(POLA1):c.432C>G (p.Phe144Leu)

Gene: POLA1 (DNA polymerase alpha 1, catalytic subunit; plus strand). Cytogenetic location: Xp22.11.
Variant type: single nucleotide variant.
Coding change: c.432C>G on transcript NM_001330360.2 (MANE Select); coding-DNA position 432, C replaced by G.
Protein change: p.Phe144Leu; replaces phenylalanine 144 with leucine.
Molecular consequence: missense variant. On other transcripts: non-coding transcript variant (2).
Genome position (GRCh38, 1-based): chrX:24,714,639, C>G. VCF-style: chrX-24714639-C-G. GRCh37 (hg19) VCF-style: chrX-24732756-C-G.
Other names: c.432C>G, p.Phe144Leu (NM_001378303.1); c.414C>G, p.Phe138Leu (NM_016937.4); short protein forms F144L, F138L.
Identifiers: ClinVar variation 3731108 (VCV003731108.1).

ClinVar aggregate classification (germline): Uncertain significance (1 of 4 stars; one submission).

Submission:

GeneDx
Classification: Uncertain significance. Last evaluated: 2024-08-14. Review status: criteria provided, single submitter. Criteria: GeneDx Variant Classification Process June 2021. Collection method: clinical testing. Allele origin: germline. Affected: yes.
Comment: Not observed at significant frequency in large population cohorts (gnomAD); In silico analysis supports that this missense variant has a deleterious effect on protein structure/function; Has not been previously published as pathogenic or benign to our knowledge